The following is an entry in ClinVar:

ClinVar aggregate classification (germline): Uncertain significance (1 of 4 stars; one submission).

gnomAD v4.1: 42 of 1,533,022 alleles (0.0027%); highest among the groups gnomAD compares: Non-Finnish European, 0.0037%; no homozygotes.

Submission:

Labcorp Genetics (formerly Invitae), Labcorp
Classification: Uncertain significance. Last evaluated: 2024-12-10. Review status: criteria provided, single submitter. Criteria: Invitae Variant Classification Sherloc (09022015). Collection method: clinical testing. Allele origin: germline.
Comment: This sequence change replaces cysteine, which is neutral and slightly polar, with glycine, which is neutral and non-polar, at codon 3304 of the ZNF469 protein (p.Cys3304Gly). This variant is present in population databases (no rsID available, gnomAD 0.002%). This variant has not been reported in the literature in individuals affected with ZNF469-related conditions. An algorithm developed to predict the effect of missense changes on protein structure and function (PolyPhen-2) suggests that this variant is likely to be disruptive. In summary, the available evidence is currently insufficient to determine the role of this variant in disease. Therefore, it has been classified as a Variant of Uncertain Significance.

NM_001367624.2(ZNF469):c.9994T>G (p.Cys3332Gly)

Genes: ZNF469 (zinc finger protein 469; plus strand), LOC130059719 (ATAC-STARR-seq lymphoblastoid silent region 7848; plus strand). Cytogenetic location: 16q24.2.
Variant type: single nucleotide variant.
Coding change: c.9994T>G on transcript NM_001367624.2 (MANE Select); coding-DNA position 9994, T replaced by G.
Protein change: p.Cys3332Gly; replaces cysteine 3332 with glycine.
Molecular consequence: missense variant.
Genome position (GRCh38, 1-based): chr16:88,437,464, T>G. VCF-style: chr16-88437464-T-G. GRCh37 (hg19) VCF-style: chr16-88503872-T-G.
Other names: short protein forms C3332G.
Identifiers: ClinVar variation 3618280 (VCV003618280.1).